The following is an entry in ClinVar:

NM_153212.3(GJB4):c.569T>C (p.Met190Thr)

Gene: GJB4 (gap junction protein beta 4; plus strand). Cytogenetic location: 1p34.3.
Variant type: single nucleotide variant.
Coding change: c.569T>C on transcript NM_153212.3 (MANE Select); coding-DNA position 569, T replaced by C.
Protein change: p.Met190Thr; replaces methionine 190 with threonine.
Molecular consequence: missense variant.
Genome position (GRCh38, 1-based): chr1:34,761,823, T>C. VCF-style: chr1-34761823-T-C. GRCh37 (hg19) VCF-style: chr1-35227424-T-C.
Other names: short protein forms M190T.
Identifiers: ClinVar variation 3366023 (VCV003366023.3).

ClinVar aggregate classification (germline): Uncertain significance. Review status: criteria provided, multiple submitters, no conflicts (2 of 4 stars). 2 submissions from 2 submitters: Uncertain significance (2). Last evaluated 2024-02-13.

Submissions (2):

Labcorp Genetics (formerly Invitae), Labcorp
Classification: Uncertain significance. Last evaluated: 2024-02-13. Review status: criteria provided, single submitter. Criteria: Invitae Variant Classification Sherloc (09022015). Collection method: clinical testing. Allele origin: germline.
Comment: This sequence change replaces methionine, which is neutral and non-polar, with threonine, which is neutral and polar, at codon 190 of the GJB4 protein (p.Met190Thr). This variant is present in population databases (rs370780147, gnomAD 0.03%). This variant has not been reported in the literature in individuals affected with GJB4-related conditions. Advanced modeling of protein sequence and biophysical properties (such as structural, functional, and spatial information, amino acid conservation, physicochemical variation, residue mobility, and thermodynamic stability) performed at Invitae indicates that this missense variant is expected to disrupt GJB4 protein function with a positive predictive value of 80%. In summary, the available evidence is currently insufficient to determine the role of this variant in disease. Therefore, it has been classified as a Variant of Uncertain Significance.

GeneDx
Classification: Uncertain significance. Last evaluated: 2023-10-12. Review status: criteria provided, single submitter. Criteria: GeneDx Variant Classification Process June 2021. Collection method: clinical testing. Allele origin: germline. Affected: yes.
Comment: Has not been previously published as pathogenic or benign to our knowledge; In silico analysis supports that this missense variant has a deleterious effect on protein structure/function